The following is an entry in ClinVar:

ClinVar aggregate classification (germline): Uncertain significance (1 of 4 stars; one submission).

Conditions:
Inborn genetic diseases. Identifiers: MedGen C0950123, MeSH D030342.

Submission:

Ambry Genetics
Classification: Uncertain significance for Inborn genetic diseases. Last evaluated: 2025-10-08. Review status: criteria provided, single submitter. Criteria: Ambry Variant Classification Scheme 2023. Collection method: clinical testing. Allele origin: germline.
Comment: The c.737C>T (p.P246L) alteration is located in exon 5 (coding exon 5) of the NBEA gene. This alteration results from a C to T substitution at nucleotide position 737, causing the proline (P) at amino acid position 246 to be replaced by a leucine (L). This variant was not reported in population-based cohorts in the Genome Aggregation Database (gnomAD). This amino acid position is highly conserved in available vertebrate species. The in silico prediction for this alteration is inconclusive. Based on insufficient or conflicting evidence, the clinical significance of this alteration remains unclear.

NM_001385012.1(NBEA):c.737C>T (p.Pro246Leu)

Gene: NBEA (neurobeachin; plus strand). Cytogenetic location: 13q13.3.
Variant type: single nucleotide variant.
Coding change: c.737C>T on transcript NM_001385012.1 (MANE Select); coding-DNA position 737, C replaced by T.
Protein change: p.Pro246Leu; replaces proline 246 with leucine.
Molecular consequence: missense variant.
Genome position (GRCh38, 1-based): chr13:35,048,576, C>T. VCF-style: chr13-35048576-C-T. GRCh37 (hg19) VCF-style: chr13-35622713-C-T.
Other names: c.737C>T, p.Pro246Leu (NM_001379245.1, NM_015678.5); short protein forms P246L.
Identifiers: ClinVar variation 4117136 (VCV004117136.2).
Genomic context (GRCh38, chr13:35,048,576, plus strand): 5'-ACATTTCTTTAACTGATACTTTCGTACCTTTTCTCATTGCCTTGTAGGCAATTGCCTTGC[C>T]TCCTATTGCAAAGTGGCCTTATCAGAATGGCTTCACCTTAAACACTTGGTTTCGTATGGA-3'
Protein context (NP_001371941.1, residues 236-256): PGCSAAAIAL[Pro246Leu]PIAKWPYQNG